The following is an entry in ClinVar:

NM_001145252.3(CFP):c.1198A>G (p.Thr400Ala)

Gene: CFP (complement factor properdin; minus strand). Cytogenetic location: Xp11.23.
Variant type: single nucleotide variant.
Coding change: c.1198A>G on transcript NM_001145252.3 (MANE Select); coding-DNA position 1198, A replaced by G.
Protein change: p.Thr400Ala; replaces threonine 400 with alanine.
Molecular consequence: missense variant.
Genome position (GRCh38, 1-based): chrX:47,626,104, T>C on the plus strand (A>G on the coding strand, the complement: CFP is on the minus strand). VCF-style: chrX-47626104-T-C. GRCh37 (hg19) VCF-style: chrX-47485503-T-C.
Other names: c.1198A>G, p.Thr400Ala (NM_002621.2); short protein forms T400A.
Identifiers: ClinVar variation 1980446 (VCV001980446.4), dbSNP rs373037904, ClinGen allele CA10398841.

ClinVar aggregate classification (germline): Uncertain significance (1 of 4 stars; one submission).

Allele frequency attached by ClinVar (database versions not stated): TOPMed 0.00001; gnomAD 0.00002; ExAC 0.00006; ESP Exome Variant Server 0.00010.
gnomAD v4.1: 36 of 1,174,456 alleles (0.0031%); highest among the groups gnomAD compares: Non-Finnish European, 0.0039%; no homozygotes.

Submission:

Labcorp Genetics (formerly Invitae), Labcorp
Classification: Uncertain significance. Last evaluated: 2024-01-11. Review status: criteria provided, single submitter. Criteria: Invitae Variant Classification Sherloc (09022015). Collection method: clinical testing. Allele origin: germline.
Comment: This sequence change replaces threonine, which is neutral and polar, with alanine, which is neutral and non-polar, at codon 400 of the CFP protein (p.Thr400Ala). This variant is present in population databases (rs373037904, gnomAD 0.01%). This variant has not been reported in the literature in individuals affected with CFP-related conditions. ClinVar contains an entry for this variant (Variation ID: 1980446). Advanced modeling of protein sequence and biophysical properties (such as structural, functional, and spatial information, amino acid conservation, physicochemical variation, residue mobility, and thermodynamic stability) performed at Invitae indicates that this missense variant is not expected to disrupt CFP protein function with a negative predictive value of 80%. In summary, the available evidence is currently insufficient to determine the role of this variant in disease. Therefore, it has been classified as a Variant of Uncertain Significance.